The following is an entry in ClinVar:

ClinVar aggregate classification (germline): Conflicting classifications of pathogenicity. Review status: criteria provided, conflicting classifications (1 of 4 stars). 2 submissions from 2 submitters: Likely pathogenic (1); Uncertain significance (1). Last evaluated 2025-06-09.

Conditions:
Autosomal recessive nonsyndromic hearing loss 2. Also called: NEUROSENSORY NONSYNDROMIC RECESSIVE DEAFNESS 2; DEAFNESS, AUTOSOMAL RECESSIVE 2. Identifiers: Orphanet 90636, MedGen C1838701, MONDO:0010807, OMIM 600060.

gnomAD v4.1: 2 of 1,572,194 alleles (0.00013%); highest among the groups gnomAD compares: East Asian, 0.0047%; no homozygotes.

Submissions (2):

Women's Health and Genetics/Laboratory Corporation of America, LabCorp
Classification: Uncertain significance. Last evaluated: 2025-06-09. Review status: criteria provided, single submitter. Criteria: LabCorp Variant Classification Summary - May 2015. Collection method: clinical testing. Allele origin: germline.
Comment: Variant summary: MYO7A c.3728C>A (p.Pro1243Gln) results in a non-conservative amino acid change in the encoded protein sequence. Algorithms developed to predict the effect of missense changes on protein structure and function all suggest that this variant is likely to be disruptive. The variant allele was found at a frequency of 1.1e-05 in 181858 control chromosomes. To our knowledge, no occurrence of c.3728C>A in individuals affected with Usher Syndrome and no experimental evidence demonstrating its impact on protein function have been reported. Multiple different variants at the same codon (c.3728C>G (p.Pro1243Arg); c.3728C>T (p.Pro1243Leu)) have been classified as Pathogenic/Likely pathogenic in ClinVar, suggesting a critical relevalnce of this residue for MYO7A protein function. ClinVar contains an entry for this variant (Variation ID: 3601475). Based on the evidence outlined above, the variant was classified as VUS-possibly pathogenic.

Institute of Rare Diseases, West China Hospital, Sichuan University
Classification: Likely pathogenic for Autosomal recessive nonsyndromic hearing loss 2. Last evaluated: 2025-01-09. Review status: criteria provided, single submitter. Criteria: ClinGen HL ACMG Specifications v1. Collection method: research. Allele origin: germline. Affected: yes.
Comment: PM3_Strong;PM5;PM2_Supporting;PP3

NM_000260.4(MYO7A):c.3728C>A (p.Pro1243Gln)

Gene: MYO7A (myosin VIIA; plus strand). Cytogenetic location: 11q13.5.
Variant type: single nucleotide variant.
Coding change: c.3728C>A on transcript NM_000260.4 (MANE Select); coding-DNA position 3728, C replaced by A.
Protein change: p.Pro1243Gln; replaces proline 1243 with glutamine.
Molecular consequence: missense variant.
Genome position (GRCh38, 1-based): chr11:77,190,117, C>A. VCF-style: chr11-77190117-C-A. GRCh37 (hg19) VCF-style: chr11-76901162-C-A.
Other names: c.3728C>A, p.Pro1243Gln (NM_001127180.2); c.3695C>A, p.Pro1232Gln (NM_001369365.1); short protein forms P1232Q, P1243Q.
Identifiers: ClinVar variation 3601475 (VCV003601475.2).